The following is an entry in ClinVar:

NM_031407.7(HUWE1):c.3719G>A (p.Arg1240His)

Genes: HUWE1 (HECT, UBA and WWE domain containing E3 ubiquitin protein ligase 1; minus strand), LOC126863263 (BRD4-independent group 4 enhancer GRCh37_chrX:53619238-53620437; plus strand). Cytogenetic location: Xp11.22.
Variant type: single nucleotide variant.
Coding change: c.3719G>A on transcript NM_031407.7 (MANE Select); coding-DNA position 3719, G replaced by A.
Protein change: p.Arg1240His; replaces arginine 1240 with histidine.
Molecular consequence: missense variant.
Genome position (GRCh38, 1-based): chrX:53,593,386, C>T on the plus strand (G>A on the coding strand, the complement: HUWE1 is on the minus strand). VCF-style: chrX-53593386-C-T. GRCh37 (hg19) VCF-style: chrX-53620346-C-T.
Other names: short protein forms R1240H.
Identifiers: ClinVar variation 3368333 (VCV003368333.4).

ClinVar aggregate classification (germline): Uncertain significance. Review status: criteria provided, multiple submitters, no conflicts (2 of 4 stars). 2 submissions from 2 submitters: Uncertain significance (2). Last evaluated 2026-10-08.

Conditions:
Inborn genetic diseases. Identifiers: MedGen C0950123, MeSH D030342.

gnomAD v4.1: 6 of 1,195,637 alleles (0.0005%); highest among the groups gnomAD compares: South Asian, 0.0018%; no homozygotes.

Submissions (2):

GeneDx
Classification: Uncertain significance. Last evaluated: 2026-10-08. Review status: criteria provided, single submitter. Criteria: GeneDx Variant Classification Process June 2021. Collection method: clinical testing. Allele origin: germline.
Comment: Not observed at significant frequency in large population cohorts (gnomAD); In silico analysis indicates that this missense variant does not alter protein structure/function; Has not been previously published as pathogenic or benign to our knowledge

Ambry Genetics
Classification: Uncertain significance for Inborn genetic diseases. Last evaluated: 2025-04-17. Review status: criteria provided, single submitter. Criteria: Ambry Variant Classification Scheme 2023. Collection method: clinical testing. Allele origin: germline.